The following is an entry in ClinVar:

NM_001374736.1(DST):c.19409T>C (p.Ile6470Thr)

Gene: DST (dystonin; minus strand). Cytogenetic location: 6p12.1.
Variant type: single nucleotide variant.
Coding change: c.19409T>C on transcript NM_001374736.1 (MANE Select); coding-DNA position 19409, T replaced by C.
Protein change: p.Ile6470Thr; replaces isoleucine 6470 with threonine.
Molecular consequence: missense variant.
Genome position (GRCh38, 1-based): chr6:56,506,498, A>G on the plus strand (T>C on the coding strand, the complement: DST is on the minus strand). VCF-style: chr6-56506498-A-G. GRCh37 (hg19) VCF-style: chr6-56371296-A-G.
Other names: c.13052T>C, p.Ile4351Thr (NM_001144769.5); c.12638T>C, p.Ile4213Thr (NM_001144770.2); c.19409T>C, p.Ile6470Thr (NM_001374722.1); c.18449T>C, p.Ile6150Thr (NM_001374729.1); c.12191T>C, p.Ile4064Thr (NM_001374730.1); c.19436T>C, p.Ile6479Thr (NM_001374734.1); c.12518T>C, p.Ile4173Thr (NM_001386100.1, NM_183380.4); c.11540T>C, p.Ile3847Thr (NM_015548.5); short protein forms I6150T, I6479T, I4064T, I4351T, I3847T, I4173T, I4213T, I6470T.
Identifiers: ClinVar variation 1462367 (VCV001462367.5), dbSNP rs755623281, ClinGen allele CA3867003.

ClinVar aggregate classification (germline): Uncertain significance (1 of 4 stars; one submission).

Conditions:
Hereditary sensory and autonomic neuropathy type 6. Also called: Neuropathy, hereditary sensory and autonomic, type VI; HSAN VI. Identifiers: Orphanet 314381, MedGen C3539003, MONDO:0013839, OMIM 614653.
Epidermolysis bullosa simplex 3, localized or generalized intermediate, with BP230 deficiency (EBS3). Also called: Epidermolysis bullosa simplex due to BP230 deficiency; Epidermolysis bullosa simplex, autosomal recessive 2. Identifiers: Orphanet 412181, MedGen C3809470, MONDO:0014180, OMIM 615425.

Allele frequency attached by ClinVar (database versions not stated): ExAC 0.00001; gnomAD exomes 0.00001; gnomAD 0.00003; TOPMed 0.00003.
gnomAD v4.1: 12 of 1,613,182 alleles (0.00074%); highest among the groups gnomAD compares: South Asian, 0.0077%; no homozygotes.

Submission:

Labcorp Genetics (formerly Invitae), Labcorp
Classification: Uncertain significance for Epidermolysis bullosa simplex 3, localized or generalized intermediate, with BP230 deficiency; Hereditary sensory and autonomic neuropathy type 6. Last evaluated: 2022-07-19. Review status: criteria provided, single submitter. Criteria: Invitae Variant Classification Sherloc (09022015). Collection method: clinical testing. Allele origin: germline.
Comment: The DST gene has multiple clinically relevant transcripts. This variant occurs in alternate transcript NM_015548.4, and corresponds to NM_001723.5:c.*109019T>C in the primary transcript. This sequence change replaces isoleucine, which is neutral and non-polar, with threonine, which is neutral and polar, at codon 3847 of the DST protein (p.Ile3847Thr). This variant is present in population databases (rs755623281, gnomAD 0.008%). This variant has not been reported in the literature in individuals affected with DST-related conditions. Experimental studies and prediction algorithms are not available or were not evaluated, and the functional significance of this variant is currently unknown. In summary, the available evidence is currently insufficient to determine the role of this variant in disease. Therefore, it has been classified as a Variant of Uncertain Significance.